The following is an entry in ClinVar:

NM_020975.6(RET):c.2305_2307delinsTTT (p.Leu769Phe)

Gene: RET (ret proto-oncogene; plus strand). Cytogenetic location: 10q11.21.
Variant type: Indel.
Coding change: c.2305_2307delinsTTT on transcript NM_020975.6 (MANE Select); coding-DNA positions 2305 to 2307, CTG replaced by TTT.
Protein change: p.Leu769Phe; replaces leucine 769 with phenylalanine.
Molecular consequence: missense variant.
Genome position (GRCh38, 1-based): chr10:43,118,393-43,118,395, CTG replaced by TTT. VCF-style: chr10-43118393-CTG-TTT. GRCh37 (hg19) VCF-style: chr10-43613841-CTG-TTT.
Other names: c.1273_1275delinsTTT, p.Leu425Phe (NM_001406787.1); c.1120_1122delinsTTT, p.Leu374Phe (NM_001406788.1, NM_001406789.1, NM_001406790.1); c.1000_1002delinsTTT, p.Leu334Phe (NM_001406791.1); c.856_858delinsTTT, p.Leu286Phe (NM_001406792.1, NM_001406793.1, NM_001406794.1); c.2305_2307delCTGinsTTT, p.Leu769Phe (NM_020629.2, NM_000323.2); c.2305_2307delinsTTT, p.Leu769Phe (NM_020630.7, NM_001406743.1, NM_001406744.1 and 2 more transcripts); c.1543_1545delinsTTT, p.Leu515Phe (NM_001355216.2); c.2176_2178delinsTTT, p.Leu726Phe (NM_001406761.1, NM_001406762.1, NM_001406764.1); and 11 more; short protein forms L286F, L334F, L374F, L425F, L427F, L430F, L439F, L470F.
Identifiers: ClinVar variation 3240302 (VCV003240302.3), dbSNP rs2538548983.

ClinVar aggregate classification (germline): Uncertain significance. Review status: criteria provided, multiple submitters, no conflicts (2 of 4 stars). 3 submissions from 3 submitters: Uncertain significance (3). Last evaluated 2025-07-11.

Conditions:
Multiple endocrine neoplasia, type 2 (MEN2). Identifiers: Orphanet 653, MedGen C4048306, MONDO:0019003. Disease mechanism: gain of function.
Multiple endocrine neoplasia type 2B. Also called: Multiple endocrine neoplasia, type 3; MULTIPLE ENDOCRINE NEOPLASIA, TYPE IIB; MEN IIB; NEUROMATA, MUCOSAL, WITH ENDOCRINE TUMORS; WAGENMANN-FROBOESE SYNDROME; MULTIPLE ENDOCRINE NEOPLASIA, TYPE III. Identifiers: Orphanet 247709, Orphanet 653, MedGen C0025269, MeSH D018814, MONDO:0008082, OMIM 162300.
Pheochromocytoma. Also called: MAX-Related Hereditary Paraganglioma-Pheochromocytoma Syndrome. Identifiers: Orphanet 29072, MedGen C0031511, MONDO:0008233, OMIM 171300, HP:0002666.
Familial medullary thyroid carcinoma (MTC). Also called: Thyroid cancer, familial medullary; MTC, familial; Familial Medullary Thyroid Carcinoma (FMTC). Identifiers: Orphanet 653, Orphanet 99361, MedGen C1833921, MONDO:0007958, OMIM 155240.
Hirschsprung disease, susceptibility to, 1 (HSCR1). Also called: RET-Related Hirschsprung Disease. Identifiers: Orphanet 388, MedGen C3888239, MONDO:0007723, OMIM 142623.
Multiple endocrine neoplasia type 2A. Also called: MULTIPLE ENDOCRINE NEOPLASIA, TYPE IIA; PTC SYNDROME; SIPPLE SYNDROME; MEN 2A; MEN-2A syndrome; Pheochromocytoma and amyloid producing medullary thyroid carcinoma. Identifiers: Orphanet 247698, Orphanet 653, MedGen C0025268, MeSH D018813, MONDO:0008234, OMIM 171400.

Submissions (3):

Color Diagnostics, LLC DBA Color Health
Classification: Uncertain significance for Multiple endocrine neoplasia, type 2. Last evaluated: 2025-07-11. Review status: criteria provided, single submitter. Criteria: ACMG Guidelines, 2015. Collection method: clinical testing. Allele origin: germline.
Comment: This missense variant replaces leucine with phenylalanine at codon 769 of the RET protein. To our knowledge, functional studies have not been reported for this variant. This variant has not been reported in individuals affected with RET-related disorders in the literature. This variant has not been identified in the general population by the Genome Aggregation Database (gnomAD). The available evidence is insufficient to determine the role of this variant in disease conclusively. Therefore, this variant is classified as a Variant of Uncertain Significance.

Fulgent Genetics
Classification: Uncertain significance for Hirschsprung disease, susceptibility to, 1; Familial medullary thyroid carcinoma; Multiple endocrine neoplasia type 2B; Pheochromocytoma; Multiple endocrine neoplasia type 2A. Last evaluated: 2024-05-13. Review status: criteria provided, single submitter. Criteria: ACMG Guidelines, 2015. Collection method: clinical testing. Allele origin: germline.

Baylor Genetics
Classification: Uncertain significance for Hirschsprung disease, susceptibility to, 1. Last evaluated: 2024-03-05. Review status: criteria provided, single submitter. Criteria: ACMG Guidelines, 2015. Collection method: clinical testing. Allele origin: unknown.